The following is an entry in ClinVar:

NM_001276270.2(MBD4):c.610C>G (p.Leu204Val)

Gene: MBD4 (methyl-CpG binding domain 4, DNA glycosylase; minus strand). Cytogenetic location: 3q21.3.
Variant type: single nucleotide variant.
Coding change: c.610C>G on transcript NM_001276270.2 (MANE Select); coding-DNA position 610, C replaced by G.
Protein change: p.Leu204Val; replaces leucine 204 with valine.
Molecular consequence: missense variant. On other transcripts: intron variant (1).
Genome position (GRCh38, 1-based): chr3:129,437,034, G>C on the plus strand (C>G on the coding strand, the complement: MBD4 is on the minus strand). VCF-style: chr3-129437034-G-C. GRCh37 (hg19) VCF-style: chr3-129155877-G-C.
Other names: c.610C>G, p.Leu204Val (NM_001276271.2, NM_001276272.2, NM_003925.3); c.247+774C>G (NM_001276273.2); short protein forms L204V.
Identifiers: ClinVar variation 4104611 (VCV004104611.1).

ClinVar aggregate classification (germline): Uncertain significance (1 of 4 stars; one submission).

Conditions:
Inborn genetic diseases. Identifiers: MedGen C0950123, MeSH D030342.

Submission:

Ambry Genetics
Classification: Uncertain significance for Inborn genetic diseases. Last evaluated: 2025-07-12. Review status: criteria provided, single submitter. Criteria: Ambry Variant Classification Scheme 2023. Collection method: clinical testing. Allele origin: germline.
Comment: The p.L204V variant (also known as c.610C>G), located in coding exon 3 of the MBD4 gene, results from a C to G substitution at nucleotide position 610. The leucine at codon 204 is replaced by valine, an amino acid with highly similar properties. This amino acid position is conserved. In addition, this alteration is predicted to be tolerated by in silico analysis. Based on the available evidence, the clinical significance of this variant remains unclear.